The following is an entry in ClinVar:

ClinVar aggregate classification (germline): Uncertain significance (1 of 4 stars; one submission).

Submission:

Women's Health and Genetics/Laboratory Corporation of America, LabCorp
Classification: Uncertain significance. Last evaluated: 2023-08-07. Review status: criteria provided, single submitter. Criteria: LabCorp Variant Classification Summary - May 2015. Collection method: clinical testing. Allele origin: germline.
Comment: Variant summary: CHRNE c.914_915delinsTT (p.Gly305Val) results in a non-conservative amino acid change located in the Neurotransmitter-gated ion-channel transmembrane domain of the encoded protein sequence. Four of five in-silico tools predict a damaging effect of the variant on protein function. Several computational tools predict a significant impact on normal splicing: Two (of three) predict the variant weakens a canonical 5' donor site. However, these predictions have yet to be confirmed by functional studies. The variant allele was found at a frequency of 4.1e-06 in 246592 control chromosomes (gnomAD). The available data on variant occurrences in the general population are insufficient to allow any conclusion about variant significance. To our knowledge, no occurrence of c.914_915delinsTT in individuals affected with Congenital Myasthenic Syndrome and no experimental evidence demonstrating its impact on protein function have been reported. No submitters have cited clinical-significance assessments for this variant to ClinVar after 2014. Based on the evidence outlined above, the variant was classified as uncertain significance.

NM_000080.4(CHRNE):c.914_915delinsTT (p.Gly305Val)

Genes: C17orf107 (chromosome 17 open reading frame 107; plus strand), CHRNE (cholinergic receptor nicotinic epsilon subunit; minus strand). Cytogenetic location: 17p13.2.
Variant type: Indel.
Coding change: c.914_915delinsTT on transcript NM_000080.4 (MANE Select); coding-DNA positions 914 to 915, GC replaced by TT.
Protein change: p.Gly305Val; replaces glycine 305 with valine.
Molecular consequence: missense variant. On other transcripts: 3 prime UTR variant (1).
Genome position (GRCh38, 1-based): chr17:4,900,795-4,900,796, GC replaced by AA on the plus strand (GC replaced by TT on the coding strand, the reverse complement: CHRNE is on the minus strand). VCF-style: chr17-4900795-GC-AA. GRCh37 (hg19) VCF-style: chr17-4804090-GC-AA.
Other names: c.*262_*263delinsAA (NM_001145536.2); short protein forms G305V.
Identifiers: ClinVar variation 2581512 (VCV002581512.1), dbSNP rs2507552846, ClinGen allele CA2582342613.